The following is an entry in ClinVar:

ClinVar aggregate classification (germline): Uncertain significance. Review status: criteria provided, multiple submitters, no conflicts (2 of 4 stars). 3 submissions from 3 submitters: Uncertain significance (3). Last evaluated 2025-09-22.

Conditions:
Breast-ovarian cancer, familial, susceptibility to, 4. Identifiers: Orphanet 145, MedGen C3280345, MONDO:0013669, OMIM 614291.
Hereditary cancer-predisposing syndrome. Also called: Hereditary Cancer Syndrome; Neoplastic Syndromes, Hereditary; Tumor predisposition; Hereditary neoplastic syndrome. Identifiers: Orphanet 140162, MedGen C0027672, MeSH D009386, MONDO:0015356.

Allele frequency attached by ClinVar (database versions not stated): gnomAD exomes below 0.00001 and 0.00001.
gnomAD v4.1: 5 of 1,614,110 alleles (0.00031%); highest among the groups gnomAD compares: Admixed American, 0.0067%; no homozygotes.

Submissions (3):

Labcorp Genetics (formerly Invitae), Labcorp
Classification: Uncertain significance for Breast-ovarian cancer, familial, susceptibility to, 4. Last evaluated: 2025-09-22. Review status: criteria provided, single submitter. Criteria: Invitae Variant Classification Sherloc (09022015). Collection method: clinical testing. Allele origin: germline.
Comment: This sequence change replaces aspartic acid, which is acidic and polar, with valine, which is neutral and non-polar, at codon 70 of the RAD51D protein (p.Asp70Val). This variant is present in population databases (no rsID available, gnomAD 0.003%). This variant has not been reported in the literature in individuals affected with RAD51D-related conditions. ClinVar contains an entry for this variant (Variation ID: 490137). Invitae Evidence Modeling of protein sequence and biophysical properties (such as structural, functional, and spatial information, amino acid conservation, physicochemical variation, residue mobility, and thermodynamic stability) indicates that this missense variant is not expected to disrupt RAD51D protein function with a negative predictive value of 80%. In summary, the available evidence is currently insufficient to determine the role of this variant in disease. Therefore, it has been classified as a Variant of Uncertain Significance.

Color Diagnostics, LLC DBA Color Health
Classification: Uncertain significance for Hereditary cancer-predisposing syndrome. Last evaluated: 2024-06-04. Review status: criteria provided, single submitter. Criteria: ACMG Guidelines, 2015. Collection method: clinical testing. Allele origin: germline.
Comment: This missense variant replaces aspartic acid with valine at codon 70 of the RAD51D protein. Computational prediction suggests that this variant may not impact protein structure and function. In a mini-gene RNA splicing assay, this variant has shown a partial splicing defect by causing the deletion of exon 3, exons 4 and 5, or exons 3, 4 and 5 (PMID: 34200360). This variant has not been reported in individuals affected with hereditary cancer in the literature. This variant has been identified in 1/251450 chromosomes in the general population by the Genome Aggregation Database (gnomAD). The available evidence is insufficient to determine the role of this variant in disease conclusively. Therefore, this variant is classified as a Variant of Uncertain Significance.

Ambry Genetics
Classification: Uncertain significance for Hereditary cancer-predisposing syndrome. Last evaluated: 2024-01-29. Review status: criteria provided, single submitter. Criteria: Ambry Variant Classification Scheme 2023. Collection method: clinical testing. Allele origin: germline.
Comment: The p.D70V variant (also known as c.209A>T), located in coding exon 3 of the RAD51D gene, results from an A to T substitution at nucleotide position 209. The aspartic acid at codon 70 is replaced by valine, an amino acid with highly dissimilar properties. This amino acid position is highly conserved in available vertebrate species. In addition, this alteration is predicted to be deleterious by in silico analysis. Since supporting evidence is limited at this time, the clinical significance of this alteration remains unclear.

Literature cited by the submitters: PubMed 34200360 (cited by Color Diagnostics, LLC DBA Color Health).

NM_002878.4(RAD51D):c.209A>T (p.Asp70Val)

Genes: RAD51L3-RFFL (RAD51L3-RFFL readthrough; minus strand), RAD51D (RAD51 paralog D; minus strand). Cytogenetic location: 17q12.
Variant type: single nucleotide variant.
Coding change: c.209A>T on transcript NM_002878.4 (MANE Select); coding-DNA position 209, A replaced by T.
Protein change: p.Asp70Val; replaces aspartic acid 70 with valine.
Molecular consequence: missense variant. On other transcripts: intron variant (2).
Genome position (GRCh38, 1-based): chr17:35,118,555, T>A on the plus strand (A>T on the coding strand, the complement: RAD51D is on the minus strand). VCF-style: chr17-35118555-T-A. GRCh37 (hg19) VCF-style: chr17-33445574-T-A.
Other names: c.144+556A>T (NM_133629.3, NM_001142571.2); short protein forms D70V.
Identifiers: ClinVar variation 490137 (VCV000490137.18), dbSNP rs876660173, ClinGen allele CA399091333.